The following is an entry in ClinVar:

ClinVar aggregate classification (germline): Pathogenic (1 of 4 stars; one submission).

Conditions:
Galactosylceramide beta-galactosidase deficiency. Also called: Leukodystrophy, Globoid Cell; Krabbe Disease; GALACTOCEREBROSIDASE DEFICIENCY; GALC DEFICIENCY; GLOBOID CELL LEUKOENCEPHALOPATHY. Identifiers: Orphanet 487, MedGen C0023521, MONDO:0009499, OMIM 245200.

Submission:

Labcorp Genetics (formerly Invitae), Labcorp
Classification: Pathogenic for Galactosylceramide beta-galactosidase deficiency. Last evaluated: 2025-11-25. Review status: criteria provided, single submitter. Criteria: Invitae Variant Classification Sherloc (09022015). Collection method: clinical testing. Allele origin: germline.
Comment: This sequence change creates a premature translational stop signal (p.Lys245*) in the GALC gene. It is expected to result in an absent or disrupted protein product. Loss-of-function variants in GALC are known to be pathogenic (PMID: 7437911, 9272171, 16607461). This variant is not present in population databases (gnomAD no frequency). This variant has not been reported in the literature in individuals affected with GALC-related conditions. Algorithms developed to predict the effect of sequence changes on RNA splicing suggest that this variant may disrupt the consensus splice site. For these reasons, this variant has been classified as Pathogenic.

Literature cited by the submitters: PubMed 7437911; PubMed 9272171; PubMed 16607461.

NM_000153.4(GALC):c.733A>T (p.Lys245Ter)

Gene: GALC (galactosylceramidase; minus strand). Cytogenetic location: 14q31.3.
Variant type: single nucleotide variant.
Coding change: c.733A>T on transcript NM_000153.4 (MANE Select); coding-DNA position 733, A replaced by T.
Protein change: p.Lys245Ter; replaces lysine 245 with a stop codon.
Molecular consequence: nonsense. On other transcripts: non-coding transcript variant (1).
Genome position (GRCh38, 1-based): chr14:87,976,377, T>A on the plus strand (A>T on the coding strand, the complement: GALC is on the minus strand). VCF-style: chr14-87976377-T-A. GRCh37 (hg19) VCF-style: chr14-88442721-T-A.
Other names: c.664A>T, p.Lys222Ter (NM_001201401.2); c.655A>T, p.Lys219Ter (NM_001201402.2); c.565A>T, p.Lys189Ter (NM_001424071.1, NM_001424072.1, NM_001424073.1); c.385A>T, p.Lys129Ter (NM_001424074.1, NM_001424075.1); c.100A>T, p.Lys34Ter (NM_001424076.1, NM_001424077.1); short protein forms K129*, K219*, K245*, K189*, K222*, K34*.
Identifiers: ClinVar variation 4780035 (VCV004780035.1).